The following is an entry in ClinVar:

NM_001734.5(C1S):c.374C>T (p.Ala125Val)

Gene: C1S (complement C1s; plus strand). Cytogenetic location: 12p13.31.
Variant type: single nucleotide variant.
Coding change: c.374C>T on transcript NM_001734.5 (MANE Select); coding-DNA position 374, C replaced by T.
Protein change: p.Ala125Val; replaces alanine 125 with valine.
Molecular consequence: missense variant. On other transcripts: 5 prime UTR variant (1).
Genome position (GRCh38, 1-based): chr12:7,063,050, C>T. VCF-style: chr12-7063050-C-T. GRCh37 (hg19) VCF-style: chr12-7170354-C-T.
Other names: c.-128C>T (NM_001346850.2); c.374C>T, p.Ala125Val (NM_201442.4); short protein forms A125V.
Identifiers: ClinVar variation 4760160 (VCV004760160.1).

ClinVar aggregate classification (germline): Uncertain significance (1 of 4 stars; one submission).

gnomAD v4.1: 13 of 1,613,498 alleles (0.00081%); highest among the groups gnomAD compares: South Asian, 0.011%; no homozygotes.

Submission:

Labcorp Genetics (formerly Invitae), Labcorp
Classification: Uncertain significance. Last evaluated: 2025-11-26. Review status: criteria provided, single submitter. Criteria: Invitae Variant Classification Sherloc (09022015). Collection method: clinical testing. Allele origin: germline.
Comment: This sequence change replaces alanine, which is neutral and non-polar, with valine, which is neutral and non-polar, at codon 125 of the C1S protein (p.Ala125Val). This variant is present in population databases (rs782425417, gnomAD 0.02%). This variant has not been reported in the literature in individuals affected with C1S-related conditions. Invitae Evidence Modeling of protein sequence and biophysical properties (such as structural, functional, and spatial information, amino acid conservation, physicochemical variation, residue mobility, and thermodynamic stability) indicates that this missense variant is expected to disrupt C1S protein function with a positive predictive value of 80%. In summary, the available evidence is currently insufficient to determine the role of this variant in disease. Therefore, it has been classified as a Variant of Uncertain Significance.